The following is an entry in ClinVar:

ClinVar aggregate classification (germline): Conflicting classifications of pathogenicity. Review status: criteria provided, conflicting classifications (1 of 4 stars). 4 submissions from 4 submitters: Likely pathogenic (1); Uncertain significance (3). Last evaluated 2025-12-25.

Conditions:
Combined immunodeficiency due to DOCK8 deficiency (HIES2). Also called: HIES autosomal recessive; HYPER-IgE RECURRENT INFECTION SYNDROME 2, AUTOSOMAL RECESSIVE; Hyper-IgE recurrent infection syndrome, autosomal recessive; DOCK8 Deficiency; HYPER-IgE SYNDROME 2, AUTOSOMAL RECESSIVE, WITH RECURRENT INFECTIONS. Identifiers: Orphanet 217390, MedGen C4722305, MONDO:0009478, OMIM 243700.
DOCK8-related disorders.

Submissions (4):

Labcorp Genetics (formerly Invitae), Labcorp
Classification: Uncertain significance for Combined immunodeficiency due to DOCK8 deficiency. Last evaluated: 2025-12-25. Review status: criteria provided, single submitter. Criteria: Invitae Variant Classification Sherloc (09022015). Collection method: clinical testing. Allele origin: germline.
Comment: This sequence change affects the initiator codon of the DOCK8 mRNA. This change may impact translation initiation or efficiency. The next in-frame methionine is located at codon 69. This variant is present in population databases (rs760902978, gnomAD 0.03%). This variant has not been reported in the literature in individuals affected with DOCK8-related conditions. ClinVar contains an entry for this variant (Variation ID: 1056064). Experimental studies and prediction algorithms are not available or were not evaluated, and the functional significance of this variant is currently unknown. In summary, the available evidence is currently insufficient to determine the role of this variant in disease. Therefore, it has been classified as a Variant of Uncertain Significance.

Blueprint Genetics
Classification: Likely pathogenic for DOCK8-related disorders. Last evaluated: 2023-11-06. Review status: criteria provided, single submitter. Criteria: ACMG Guidelines, 2015. Collection method: clinical testing. Allele origin: germline. Affected: yes. Observed: 2 variant alleles.

Fulgent Genetics
Classification: Uncertain significance for Combined immunodeficiency due to DOCK8 deficiency. Last evaluated: 2022-04-25. Review status: criteria provided, single submitter. Criteria: ACMG Guidelines, 2015. Collection method: clinical testing. Allele origin: unknown.

Women's Health and Genetics/Laboratory Corporation of America, LabCorp
Classification: Uncertain significance. Last evaluated: 2022-01-14. Review status: criteria provided, single submitter. Criteria: LabCorp Variant Classification Summary - May 2015. Collection method: clinical testing. Allele origin: germline.
Comment: Variant summary: DOCK8 c.2T>C (p.Met1?) alters the initiation codon and is predicted to result either in absence of the protein or truncation of the encoded protein due to translation initiation at a downstream codon. The next in-frame methionine is located in exon 3 at codon 69. The gnomAD GTEx v7 dataset shows that the first two exons of the longest transcript (NM_203447.3) are not expressed in several tissues including whole blood and spleen. Four of four in-silico tools predict a damaging effect of the variant on protein function. The variant allele was found at a frequency of 2.3e-05 in 217964 control chromosomes (gnomAD). The available data on variant occurrences in the general population are insufficient to allow any conclusion about variant significance. To our knowledge, no occurrence of c.2T>C in individuals affected with Severe Combined Immunodeficiency and no experimental evidence demonstrating its impact on protein function have been reported. One ClinVar submitter has assessed the variant since 2014, and classified it as uncertain significance. Based on the evidence outlined above, the variant was classified as uncertain significance.

NM_203447.4(DOCK8):c.2T>C (p.Met1Thr)

Genes: DOCK8 (dedicator of cytokinesis 8; plus strand), DOCK8-AS1 (DOCK8 antisense RNA 1; minus strand). Cytogenetic location: 9p24.3.
Variant type: single nucleotide variant.
Coding change: c.2T>C on transcript NM_203447.4 (MANE Select); coding-DNA position 2, T replaced by C.
Protein change: p.Met1Thr; changes the start codon (methionine 1).
Molecular consequence: missense variant, initiator codon variant. On other transcripts: non-coding transcript variant (1).
Genome position (GRCh38, 1-based): chr9:214,978, T>C. VCF-style: chr9-214978-T-C. GRCh37 (hg19) VCF-style: chr9-214978-T-C.
Other names: short protein forms M1T.
Identifiers: ClinVar variation 1056064 (VCV001056064.15), dbSNP rs760902978, ClinGen allele CA4956899.
Genomic context (GRCh38, chr9:214,978, plus strand): 5'-GCCAGGCCCCCGCTTTCCGCACCCCGCGACCCTAGAAGCCACCGAACCGCCGGCGGGCCA[T>C]GGCCACTCTGCCGAGCGCAGAGCGCCGCGCGTTCGCGCTCAAGATCAACAGGTAAGACGC-3'
Protein context (NP_982272.2, residues 1-11): [Met1Thr]ATLPSAERRA